The following is an entry in ClinVar:

NM_003000.3(SDHB):c.595_598dup (p.Trp200fs)

Gene: SDHB (succinate dehydrogenase complex iron sulfur subunit B; minus strand). Cytogenetic location: 1p36.13.
Variant type: Duplication.
Coding change: c.595_598dup on transcript NM_003000.3 (MANE Select); coding-DNA positions 595 to 598, 4 bases duplicated (TACT; older notation c.595_598dupTACT).
Protein change: p.Trp200fs; shifts the reading frame from tryptophan 200.
Molecular consequence: frameshift variant.
Genome position (GRCh38, 1-based): chr1:17,024,017-17,024,020, AGTA duplicated on the plus strand (TACT on the coding strand, the reverse complement: SDHB is on the minus strand). VCF-style (leftmost placement, unchanged base first): chr1-17024016-C-CAGTA. GRCh37 (hg19) VCF-style: chr1-17350511-C-CAGTA.
Other names: c.541_544dup, p.Trp182fs (NM_001407361.1); short protein forms W182fs, W200fs.
Identifiers: ClinVar variation 4071409 (VCV004071409.1).

ClinVar aggregate classification (germline): Pathogenic (1 of 4 stars; one submission).

Conditions:
Pheochromocytoma/paraganglioma syndrome 4. Also called: CAROTID BODY TUMORS AND MULTIPLE EXTRAADRENAL PHEOCHROMOCYTOMAS; PARAGANGLIOMA, FAMILIAL MALIGNANT; PARAGANGLIOMAS, HEREDITARY EXTRAADRENAL; PHEOCHROMOCYTOMA, FAMILIAL EXTRAADRENAL; Paragangliomas 4; SDHB-Related Hereditary Paraganglioma-Pheochromocytoma Syndrome (Paragangliomas 4). Identifiers: Orphanet 29072, MedGen C1861848, MONDO:0007273, OMIM 115310.

Submission:

Myriad Genetics, Inc.
Classification: Pathogenic for Pheochromocytoma/paraganglioma syndrome 4. Last evaluated: 2025-06-11. Review status: criteria provided, single submitter. Criteria: Myriad Autosomal Dominant, Autosomal Recessive and X-Linked Classification Criteria (2023). Collection method: clinical testing. Allele origin: unknown.
Comment: This variant is considered pathogenic. This variant creates a frameshift predicted to result in premature protein truncation.